The following is an entry in ClinVar:

NM_000465.4(BARD1):c.1231C>G (p.Pro411Ala)

Gene: BARD1 (BRCA1 associated RING domain 1; minus strand). Cytogenetic location: 2q35.
Variant type: single nucleotide variant.
Coding change: c.1231C>G on transcript NM_000465.4 (MANE Select); coding-DNA position 1231, C replaced by G.
Protein change: p.Pro411Ala; replaces proline 411 with alanine.
Molecular consequence: missense variant. On other transcripts: non-coding transcript variant (2), intron variant (3).
Genome position (GRCh38, 1-based): chr2:214,780,643, G>C on the plus strand (C>G on the coding strand, the complement: BARD1 is on the minus strand). VCF-style: chr2-214780643-G-C. GRCh37 (hg19) VCF-style: chr2-215645367-G-C.
Other names: c.1174C>G, p.Pro392Ala (NM_001282543.2); c.159-28088C>G (NM_001282548.2); c.215+16418C>G (NM_001282545.2); c.364+11654C>G (NM_001282549.2); short protein forms P411A, P392A.
Identifiers: ClinVar variation 187561 (VCV000187561.20), dbSNP rs786203825, ClinGen allele CA197961.

ClinVar aggregate classification (germline): Uncertain significance. Review status: criteria provided, multiple submitters, no conflicts (2 of 4 stars). 3 submissions from 3 submitters: Uncertain significance (3). Last evaluated 2025-05-02.

Conditions:
Hereditary cancer-predisposing syndrome. Also called: Neoplastic Syndromes, Hereditary; Tumor predisposition; Hereditary Cancer Syndrome; Hereditary neoplastic syndrome. Identifiers: Orphanet 140162, MedGen C0027672, MeSH D009386, MONDO:0015356.
Familial cancer of breast. Also called: BREAST CANCER, FAMILIAL; Hereditary breast cancer; hereditary breast carcinoma. Identifiers: Orphanet 227535, MedGen C0346153, MONDO:0016419, OMIM 114480. Disease mechanism: loss of function.

gnomAD v4.1: 1 of 1,614,078 alleles (0.000062%); highest among the groups gnomAD compares: Non-Finnish European, 0.000085%; no homozygotes.

Submissions (3):

Ambry Genetics
Classification: Uncertain significance for Hereditary cancer-predisposing syndrome. Last evaluated: 2025-05-02. Review status: criteria provided, single submitter. Criteria: Ambry Variant Classification Scheme 2023. Collection method: clinical testing. Allele origin: germline.
Comment: The p.P411A variant (also known as c.1231C>G), located in coding exon 4 of the BARD1 gene, results from a C to G substitution at nucleotide position 1231. The proline at codon 411 is replaced by alanine, an amino acid with highly similar properties. This amino acid position is well conserved in available vertebrate species. In addition, this alteration is predicted to be tolerated by in silico analysis. Since supporting evidence is limited at this time, the clinical significance of this alteration remains unclear.

Color Diagnostics, LLC DBA Color Health
Classification: Uncertain significance for Hereditary cancer-predisposing syndrome. Last evaluated: 2024-03-06. Review status: criteria provided, single submitter. Criteria: ACMG Guidelines, 2015. Collection method: clinical testing. Allele origin: germline.
Comment: This missense variant replaces proline with alanine at codon 411 of the BARD1 protein. Computational prediction suggests that this variant may not impact protein structure and function (internally defined REVEL score threshold <= 0.5, PMID: 27666373). Splice site prediction tools suggest that this variant may not impact RNA splicing. To our knowledge, functional studies have not been performed for this variant. This variant has not been reported in individuals affected with hereditary cancer in the literature. This variant has not been identified in the general population by the Genome Aggregation Database (gnomAD). The available evidence is insufficient to determine the role of this variant in disease conclusively. Therefore, this variant is classified as a Variant of Uncertain Significance.

Labcorp Genetics (formerly Invitae), Labcorp
Classification: Uncertain significance for Familial cancer of breast. Last evaluated: 2023-06-22. Review status: criteria provided, single submitter. Criteria: Invitae Variant Classification Sherloc (09022015). Collection method: clinical testing. Allele origin: germline.
Comment: This sequence change replaces proline, which is neutral and non-polar, with alanine, which is neutral and non-polar, at codon 411 of the BARD1 protein (p.Pro411Ala). This variant is not present in population databases (gnomAD no frequency). In summary, the available evidence is currently insufficient to determine the role of this variant in disease. Therefore, it has been classified as a Variant of Uncertain Significance. An algorithm developed to predict the effect of missense changes on protein structure and function (PolyPhen-2) suggests that this variant is likely to be tolerated. ClinVar contains an entry for this variant (Variation ID: 187561). This variant has not been reported in the literature in individuals affected with BARD1-related conditions.